The following is an entry in ClinVar:

ClinVar aggregate classification (germline): Conflicting classifications of pathogenicity. Review status: criteria provided, conflicting classifications (1 of 4 stars). 2 submissions from 2 submitters: Uncertain significance (1); Likely benign (1). Last evaluated 2022-03-18.

Conditions:
Developmental and epileptic encephalopathy, 11 (DEE11). Also called: Early infantile epileptic encephalopathy 11. Identifiers: Orphanet 1934, MedGen C3150987, MONDO:0013388, OMIM 613721.
Seizures, benign familial infantile, 3 (BFIS3). Also called: Familial neonatal seizures; CONVULSIONS, BENIGN FAMILIAL INFANTILE, 3. Identifiers: Orphanet 140927, Orphanet 306, MedGen C1843140, MONDO:0011904, OMIM 607745.

Allele frequency attached by ClinVar (database versions not stated): gnomAD exomes below 0.00001; TOPMed 0.00001; gnomAD 0.00002.
gnomAD v4.1: 5 of 1,613,126 alleles (0.00031%); highest among the groups gnomAD compares: African/African-American, 0.004%; no homozygotes.

Submissions (2):

Labcorp Genetics (formerly Invitae), Labcorp
Classification: Uncertain significance for Seizures, benign familial infantile, 3; Developmental and epileptic encephalopathy, 11. Last evaluated: 2022-03-18. Review status: criteria provided, single submitter. Criteria: Invitae Variant Classification Sherloc (09022015). Collection method: clinical testing. Allele origin: germline.
Comment: This variant has not been reported in the literature in individuals affected with SCN2A-related conditions. This sequence change falls in intron 20 of the SCN2A gene. It does not directly change the encoded amino acid sequence of the SCN2A protein. It affects a nucleotide within the consensus splice site. This variant is present in population databases (no rsID available, gnomAD 0.007%). ClinVar contains an entry for this variant (Variation ID: 623979). Variants that disrupt the consensus splice site are a relatively common cause of aberrant splicing (PMID: 17576681, 9536098). Algorithms developed to predict the effect of sequence changes on RNA splicing suggest that this variant is not likely to affect RNA splicing. In summary, the available evidence is currently insufficient to determine the role of this variant in disease. Therefore, it has been classified as a Variant of Uncertain Significance.

CeGaT Center for Human Genetics Tuebingen
Classification: Likely benign. Last evaluated: 2018-09-01. Review status: criteria provided, single submitter. Criteria: CeGaT Center For Human Genetics Tuebingen Variant Classification Criteria Version 2. Collection method: clinical testing. Allele origin: germline. Affected: yes. Observed: 1 variant allele.

Literature cited by the submitters: PubMed 17576681 (cited by Labcorp Genetics (formerly Invitae), Labcorp); PubMed 9536098 (cited by Labcorp Genetics (formerly Invitae), Labcorp).

NM_001040142.2(SCN2A):c.3850-3T>C

Gene: SCN2A (sodium voltage-gated channel alpha subunit 2; plus strand). Cytogenetic location: 2q24.3.
Variant type: single nucleotide variant.
Coding change: c.3850-3T>C on transcript NM_001040142.2 (MANE Select); 3 bases into the intron before coding-DNA position 3850, T replaced by C.
Molecular consequence: intron variant.
Genome position (GRCh38, 1-based): chr2:165,373,222, T>C. VCF-style: chr2-165373222-T-C. GRCh37 (hg19) VCF-style: chr2-166229732-T-C.
Other names: c.3850-3T>C (NM_001040143.2, NM_001371246.1, NM_001371247.1 and 1 more transcripts).
Identifiers: ClinVar variation 623979 (VCV000623979.49), dbSNP rs1445707939, ClinGen allele CA537121054.